The following is an entry in ClinVar:

ClinVar aggregate classification (germline): Conflicting classifications of pathogenicity. Review status: criteria provided, conflicting classifications (1 of 4 stars). 6 submissions from 6 submitters: Uncertain significance (1); Benign (1); Likely benign (4). Last evaluated 2026-01-24.

Conditions:
Hereditary cancer-predisposing syndrome. Also called: Neoplastic Syndromes, Hereditary; Hereditary neoplastic syndrome; Hereditary Cancer Syndrome; Tumor predisposition. Identifiers: Orphanet 140162, MedGen C0027672, MeSH D009386, MONDO:0015356.
Hereditary nonpolyposis colon cancer (HNPCC). Also called: Hereditary Nonpolyposis Colorectal Cancer Syndrome; Hereditary nonpolyposis colorectal cancer; Familial nonpolyposis colon cancer. Identifiers: Orphanet 443909, MedGen C1333990, MONDO:0018630. Disease mechanism: loss of function.
Hereditary diffuse gastric adenocarcinoma (HDGC). Also called: DIFFUSE GASTRIC AND LOBULAR BREAST CANCER SYNDROME. Identifiers: Orphanet 26106, MedGen C1708349, MONDO:0007648, OMIM 137215.

Allele frequency attached by ClinVar (database versions not stated): gnomAD exomes 0.00007; ESP Exome Variant Server 0.00008; gnomAD 0.00008 and 0.00009; TOPMed 0.00011.
gnomAD v4.1: 119 of 1,614,044 alleles (0.0074%); highest among the groups gnomAD compares: Non-Finnish European, 0.0096%; no homozygotes.

Submissions (6):

Labcorp Genetics (formerly Invitae), Labcorp
Classification: Likely benign. Last evaluated: 2026-01-24. Review status: criteria provided, single submitter. Criteria: Invitae Variant Classification Sherloc (09022015). Collection method: clinical testing. Allele origin: germline.

GeneDx
Classification: Uncertain significance. Last evaluated: 2025-09-10. Review status: criteria provided, single submitter. Criteria: GeneDx Variant Classification Process June 2021. Collection method: clinical testing. Allele origin: germline. Affected: yes.
Comment: In silico analysis suggests that this variant does not alter splicing; Has not been previously published as pathogenic or benign to our knowledge

Blueprint Genetics
Classification: Likely benign. Last evaluated: 2024-10-25. Review status: criteria provided, single submitter. Criteria: ACMG Guidelines, 2015. Collection method: clinical testing. Allele origin: germline.

Myriad Genetics, Inc.
Classification: Benign for Hereditary diffuse gastric adenocarcinoma. Last evaluated: 2024-10-15. Review status: criteria provided, single submitter. Criteria: Myriad Autosomal Dominant, Autosomal Recessive and X-Linked Classification Criteria (2023). Collection method: clinical testing. Allele origin: unknown.
Comment: This variant is considered benign. This variant is a silent/synonymous amino acid change and it is not expected to impact splicing.

Department of Pathology and Laboratory Medicine, Sinai Health System
Classification: Likely benign for hereditary nonpolyposis colon cancer. Last evaluated: 2023-01-25. Review status: criteria provided, single submitter. Criteria: ACMG Guidelines, 2015. Collection method: clinical testing. Allele origin: germline. Affected: yes.

Ambry Genetics
Classification: Likely benign for Hereditary cancer-predisposing syndrome. Last evaluated: 2018-09-20. Review status: criteria provided, single submitter. Criteria: Ambry Variant Classification Scheme 2023. Collection method: clinical testing. Allele origin: germline.

NM_001903.5(CTNNA1):c.2559C>T (p.Asn853=)

Gene: CTNNA1 (catenin alpha 1; plus strand). Cytogenetic location: 5q31.2.
Variant type: single nucleotide variant.
Coding change: c.2559C>T on transcript NM_001903.5 (MANE Select); coding-DNA position 2559, C replaced by T.
Protein change: p.Asn853=; no amino-acid change (asparagine 853 retained).
Molecular consequence: synonymous variant. On other transcripts: 3 prime UTR variant (5).
Genome position (GRCh38, 1-based): chr5:138,933,927, C>T. VCF-style: chr5-138933927-C-T. GRCh37 (hg19) VCF-style: chr5-138269616-C-T.
Other names: c.*104C>T (NM_001290307.3, NM_001324002.1, NM_001324003.1 and 2 more transcripts); c.2250C>T, p.Asn750= (NM_001290309.3); c.2190C>T, p.Asn730= (NM_001290310.3); c.1449C>T, p.Asn483= (NM_001290312.1, NM_001323987.1, NM_001323988.1 and 12 more transcripts); c.2559C>T, p.Asn853= (NM_001323982.2, NM_001323983.1, NM_001323984.2); c.2532C>T, p.Asn844= (NM_001323985.2); c.2466C>T, p.Asn822= (NM_001323986.2); c.1314C>T, p.Asn438= (NM_001324001.1); and 3 more.
Identifiers: ClinVar variation 698988 (VCV000698988.20), dbSNP rs374540412, ClinGen allele CA3432269.